The following is an entry in ClinVar:

NM_000238.4(KCNH2):c.343G>A (p.Val115Met)

Gene: KCNH2 (potassium voltage-gated channel subfamily H member 2; minus strand). Cytogenetic location: 7q36.1.
Variant type: single nucleotide variant.
Coding change: c.343G>A on transcript NM_000238.4 (MANE Select); coding-DNA position 343, G replaced by A.
Protein change: p.Val115Met; replaces valine 115 with methionine.
Molecular consequence: missense variant.
Genome position (GRCh38, 1-based): chr7:150,959,701, C>T on the plus strand (G>A on the coding strand, the complement: KCNH2 is on the minus strand). VCF-style: chr7-150959701-C-T. GRCh37 (hg19) VCF-style: chr7-150656789-C-T.
Other names: c.343G>A (LRG_288t1); c.55G>A, p.Val19Met (NM_001406753.1, NM_001406756.1); c.166G>A, p.Val56Met (NM_001406755.1); c.43G>A, p.Val15Met (NM_001406757.1); c.343G>A, p.Val115Met (NM_172056.3); short protein forms V115M, V56M, V19M, V15M.
Identifiers: ClinVar variation 67496 (VCV000067496.17), dbSNP rs150988911, ClinGen allele CA008314.

ClinVar aggregate classification (germline): Uncertain significance. Review status: criteria provided, multiple submitters, no conflicts (2 of 4 stars). 8 submissions from 8 submitters: Uncertain significance (6). 2 of the submissions do not count toward it. Last evaluated 2026-09-01.

Conditions:
Cardiovascular phenotype. Identifiers: MedGen CN230736.
Cardiac arrhythmia. Also called: Arrhythmia; Cardiac rhythm disease. Identifiers: MedGen C0003811, MONDO:0007263, HP:0011675.
Familial long QT syndrome (RWS). Also called: Congenital long QT syndrome; Romano-Ward syndrome; VENTRICULAR FIBRILLATION WITH PROLONGED QT INTERVAL. Identifiers: Orphanet 768, MedGen C1141890, MONDO:0019171.
Short QT syndrome type 1. Identifiers: Orphanet 51083, MedGen C1865020, MONDO:0012312, OMIM 609620.
Long QT syndrome 2 (LQT2). Identifiers: Orphanet 101016, Orphanet 768, MedGen C3150943, MONDO:0013367, OMIM 613688.
Long QT syndrome (LQTS). Identifiers: MedGen C0023976, MeSH D008133, MONDO:0002442. Disease mechanism: loss of function. Inheritance: Various modes of inheritance.

Allele frequency attached by ClinVar (database versions not stated): TOPMed below 0.00001; ExAC 0.00002; gnomAD exomes below 0.00001 and 0.00002; gnomAD 0.00001; ESP Exome Variant Server 0.00008.
gnomAD v4.1: 8 of 1,614,182 alleles (0.0005%); highest among the groups gnomAD compares: Admixed American, 0.0067%; no homozygotes.

Submissions (8):

CeGaT Center for Human Genetics Tuebingen
Classification: Uncertain significance. Last evaluated: 2026-09-01. Review status: criteria provided, single submitter. Criteria: CeGaT Center For Human Genetics Tuebingen Variant Classification Criteria Version 2. Collection method: clinical testing. Allele origin: germline. Affected: yes. Observed: 1 variant allele.
Comment: KCNH2: PM2:Supporting, PP3, PS4:Supporting, BS3:Supporting

Labcorp Genetics (formerly Invitae), Labcorp
Classification: Uncertain significance for Long QT syndrome. Last evaluated: 2025-05-25. Review status: criteria provided, single submitter. Criteria: Invitae Variant Classification Sherloc (09022015). Collection method: clinical testing. Allele origin: germline.
Comment: This sequence change replaces valine, which is neutral and non-polar, with methionine, which is neutral and non-polar, at codon 115 of the KCNH2 protein (p.Val115Met). This variant is present in population databases (rs150988911, gnomAD 0.01%). This missense change has been observed in individual(s) with long QT syndrome (LQTS) (PMID: 18441445). ClinVar contains an entry for this variant (Variation ID: 67496). An algorithm developed to predict the effect of missense changes on protein structure and function (PolyPhen-2) suggests that this variant is likely to be tolerated. Experimental studies have shown that this missense change does not substantially affect KCNH2 function (PMID: 25417810, 32475984). In summary, the available evidence is currently insufficient to determine the role of this variant in disease. Therefore, it has been classified as a Variant of Uncertain Significance.

All of Us Research Program, National Institutes of Health
Classification: Uncertain significance for Long QT syndrome. Last evaluated: 2023-06-28. Review status: criteria provided, single submitter. Criteria: ACMG Guidelines, 2015. Collection method: clinical testing. Allele origin: germline. Inheritance: Autosomal dominant inheritance. Observed: 3 variant alleles, 3 heterozygotes.
Comment: This missense variant replaces valine with methionine at codon 115 of the KCNH2 protein. Computational prediction suggests that this variant may have a deleterious impact on protein structure and function (internally defined REVEL score threshold >= 0.7, PMID: 27666373). Electrophysiological functional studies suggest that this variant may not impact KCNH2 activity (PMID: 25417810); the clinical relevance of this observation is not known. This variant has been reported in an individual affected with long QT syndrome (PMID: 18441445). This variant has been identified in 4/251426 chromosomes in the general population by the Genome Aggregation Database (gnomAD). The available evidence is insufficient to determine the role of this variant in disease conclusively. Therefore, this variant is classified as a Variant of Uncertain Significance.

This study involves interpretation of variants in research participants for the purpose of population health screening. Participant phenotype was not available at the time of variant classification. Additional details can be found in publication PMID: 35346344, PMCID: PMC8962531

Color Diagnostics, LLC DBA Color Health
Classification: Uncertain significance for Cardiac arrhythmia. Last evaluated: 2023-04-03. Review status: criteria provided, single submitter. Criteria: ACMG Guidelines, 2015. Collection method: clinical testing. Allele origin: germline.
Comment: This missense variant replaces valine with methionine at codon 115 of the KCNH2 protein. Computational prediction suggests that this variant may have a deleterious impact on protein structure and function (internally defined REVEL score threshold >= 0.7, PMID: 27666373). Electrophysiological functional studies suggest that this variant may not impact KCNH2 activity (PMID: 25417810); the clinical relevance of this observation is not known. This variant has been reported in an individual affected with long QT syndrome (PMID: 18441445). This variant has been identified in 4/251426 chromosomes in the general population by the Genome Aggregation Database (gnomAD). The available evidence is insufficient to determine the role of this variant in disease conclusively. Therefore, this variant is classified as a Variant of Uncertain Significance.

Fulgent Genetics
Classification: Uncertain significance for Short QT syndrome type 1; Long QT syndrome 2. Last evaluated: 2021-09-27. Review status: criteria provided, single submitter. Criteria: ACMG Guidelines, 2015. Collection method: clinical testing. Allele origin: unknown.

Ambry Genetics
Classification: Uncertain significance for Cardiovascular phenotype. Last evaluated: 2021-05-20. Review status: criteria provided, single submitter. Criteria: Ambry Variant Classification Scheme 2023. Collection method: clinical testing. Allele origin: germline.
Comment: The p.V115M variant (also known as c.343G>A), located in coding exon 3 of the KCNH2 gene, results from a G to A substitution at nucleotide position 343. The valine at codon 115 is replaced by methionine, an amino acid with highly similar properties, and is located in the cytoplasmic PAC region. This variant has been detected in long QT syndrome (LQTS) cohorts; however, details were limited and one reported case carried a second variant in a LQTS-related gene (Nagaoka I et al. Circ J, 2008 May;72:694-9; Jim&eacute;nez-J&aacute;imez J et al. Rev Esp Cardiol (Engl Ed), 2017 Oct;70:808-816). This variant has also been detected in exome cohorts (Amendola LM et al. Genome Res, 2015 Mar;25:305-15). In vitro studies by one group indicated that this variant may not adversely impact protein trafficking or channel function compared to wild type (Anderson CL et al. Nat Commun, 2014 Nov;5:5535). This amino acid position is highly conserved in available vertebrate species. In addition, this alteration is predicted to be deleterious by in silico analysis. Since supporting evidence is limited at this time, the clinical significance of this alteration remains unclear.

CSER _CC_NCGL, University of Washington
Classification: Uncertain significance for Long QT syndrome 2. Last evaluated: 2014-06-01. Review status: no assertion criteria provided. Collection method: research. Allele origin: germline. Inheritance: Autosomal dominant inheritance. Study: ESP 6500 variant annotation. Not counted in ClinVar's aggregate classification.
Comment: Variants classified for the Actionable exomic incidental findings in 6503 participants: challenges of variant classification manuscript

Cardiovascular Biomedical Research Unit, Royal Brompton & Harefield NHS Foundation Trust
No classification provided. Condition: Familial long QT syndrome. Review status: no classification provided. Collection method: literature only. Allele origin: germline. Not counted in ClinVar's aggregate classification.
Comment: This variant has been reported as associated with Long QT syndrome in the following publications (PMID:18441445). This is a literature report, and does not necessarily reflect the clinical interpretation of the Imperial College / Royal Brompton Cardiovascular Genetics laboratory.

Literature cited by the submitters: PubMed 18441445 (cited by 5 submitters); PubMed 25417810 (cited by 4 submitters); PubMed 32475984 (cited by Labcorp Genetics (formerly Invitae), Labcorp); PubMed 25637381 (cited by Ambry Genetics); PubMed 26669661 (cited by Ambry Genetics); PubMed 28566242 (cited by Ambry Genetics); PubMed 22581653 (cited by Cardiovascular Biomedical Research Unit, Royal Brompton & Harefield NHS Foundation Trust).